The following is an entry in ClinVar:

NM_000535.7(PMS2):c.59_63delinsAGAAA (p.Arg20Gln)

Gene: PMS2 (PMS1 homolog 2, mismatch repair system component; minus strand). Cytogenetic location: 7p22.1.
Variant type: Indel.
Coding change: c.59_63delinsAGAAA on transcript NM_000535.7 (MANE Select); coding-DNA positions 59 to 63, GGAAG replaced by AGAAA.
Protein change: p.Arg20Gln; replaces arginine 20 with glutamine.
Molecular consequence: missense variant. On other transcripts: 5 prime UTR variant (38), non-coding transcript variant (1), intron variant (7).
Genome position (GRCh38, 1-based): chr7:6,005,992-6,005,996, CTTCC replaced by TTTCT on the plus strand (GGAAG replaced by AGAAA on the coding strand, the reverse complement: PMS2 is on the minus strand). VCF-style: chr7-6005992-CTTCC-TTTCT. GRCh37 (hg19) VCF-style: chr7-6045623-CTTCC-TTTCT.
Other names: c.-347_-343delinsAGAAA (NM_001322003.2, NM_001322005.2, NM_001322009.2 and 10 more transcripts); c.59_63delinsAGAAA, p.Arg20Gln (NM_001322006.2, NM_001322014.2, NM_001406868.1 and 10 more transcripts); c.-157_-153delinsAGAAA (NM_001322007.2, NM_001406876.1, NM_001406883.1 and 4 more transcripts); c.-826_-822delinsAGAAA (NM_001322011.2, NM_001322012.2); c.-426_-422delinsAGAAA (NM_001322015.2, NM_001406875.1, NM_001406877.1 and 2 more transcripts); c.245_249delinsAGAAA, p.Arg82Gln (NM_001406866.1); c.-373_-369delinsAGAAA (NM_001406880.1); c.-294_-290delinsAGAAA (NM_001406888.1, NM_001406889.1, NM_001406892.1 and 5 more transcripts); and 7 more; short protein forms R20Q, R82Q.
Identifiers: ClinVar variation 3904666 (VCV003904666.1).

ClinVar aggregate classification (germline): Benign (1 of 4 stars; one submission).

Conditions:
Lynch syndrome 4 (LYNCH4). Also called: Colorectal cancer, hereditary nonpolyposis, type 4; Hereditary non-polyposis colorectal cancer, type 4. Identifiers: Orphanet 144, MedGen C1838333, MONDO:0013699, OMIM 614337. Disease mechanism: loss of function.

Submission:

Myriad Genetics, Inc.
Classification: Benign for Lynch syndrome 4. Last evaluated: 2025-01-23. Review status: criteria provided, single submitter. Criteria: Myriad Autosomal Dominant, Autosomal Recessive and X-Linked Classification Criteria (2023). Collection method: clinical testing. Allele origin: unknown.
Comment: This variant is considered benign. This variant has been observed at a population frequency that is significantly greater than expected given the associated disease prevalence and penetrance.